The following is an entry in ClinVar:

ClinVar aggregate classification (germline): Pathogenic/Likely pathogenic. Review status: criteria provided, multiple submitters, no conflicts (2 of 4 stars). 10 submissions from 9 submitters: Pathogenic (6); Likely pathogenic (3). 1 of the submissions does not count toward it. Last evaluated 2025-11-03.

Conditions:
Rare genetic deafness. Identifiers: Orphanet 96210, MedGen C5680250.
USH2A-related disorder. Also called: USH2A-related condition; USH2A-related disorders. Identifiers: MedGen CN239332.
Usher syndrome type 2A. Also called: USHER SYNDROME, TYPE IIA; RETINAL DISEASE IN USHER SYNDROME TYPE IIA, MODIFIER OF. Identifiers: Orphanet 231178, Orphanet 886, MedGen C1848634, MONDO:0010169, OMIM 276901.
Retinitis pigmentosa 39 (RP39). Identifiers: Orphanet 791, MedGen C3151138, MONDO:0013436, OMIM 613809.

Submissions (10):

Natera, Inc.
Classification: Pathogenic for Usher syndrome type 2A. Last evaluated: 2025-11-03. Review status: criteria provided, single submitter. Criteria: Natera Variant Classification Schema (03/2026). Collection method: clinical testing. Allele origin: germline.
Comment: The c.6289_6302del variant in USH2A is a frameshift variant predicted to shift the reading frame and introduce a stop codon. This variant is expected to result in nonsense mediated decay, truncation, or a dysfunctional protein product. This variant is rare in the general population with a frequency below the threshold expected for the associated phenotype(s). This variant has been observed in one or more individuals affected with the associated recessive disease, as either homozygous or compound heterozygous with a second variant (PMID: 32856788). Given the available evidence, this variant is classified as Pathogenic.

First Genomix Gene Laboratory, Genetic Diagnostics Department
Classification: Pathogenic for Retinitis pigmentosa 39; Usher syndrome type 2A. Last evaluated: 2025-06-02. Review status: criteria provided, single submitter. Criteria: ACMG Guidelines, 2015. Collection method: clinical testing. Allele origin: germline. Inheritance: Autosomal recessive inheritance. Affected: no. Observed: 1 variant allele.

Labcorp Genetics (formerly Invitae), Labcorp
Classification: Pathogenic. Last evaluated: 2024-05-23. Review status: criteria provided, single submitter. Criteria: Invitae Variant Classification Sherloc (09022015). Collection method: clinical testing. Allele origin: germline.
Comment: This sequence change creates a premature translational stop signal (p.Ile2097*) in the USH2A gene. It is expected to result in an absent or disrupted protein product. Loss-of-function variants in USH2A are known to be pathogenic (PMID: 10729113, 10909849, 20507924, 25649381). This variant is present in population databases (rs111033268, gnomAD 0.0009%). This premature translational stop signal has been observed in individual(s) with clinical features of Usher syndrome 2A (USH2A) (PMID: 19788668, 20507924). ClinVar contains an entry for this variant (Variation ID: 48558). For these reasons, this variant has been classified as Pathogenic.

Fulgent Genetics
Classification: Pathogenic for Usher syndrome type 2A; Retinitis pigmentosa 39. Last evaluated: 2024-05-09. Review status: criteria provided, single submitter. Criteria: ACMG Guidelines, 2015. Collection method: clinical testing. Allele origin: germline.

Baylor Genetics
Classification: Pathogenic for Retinitis pigmentosa 39. Last evaluated: 2024-01-10. Review status: criteria provided, single submitter. Criteria: ACMG Guidelines, 2015. Collection method: clinical testing. Allele origin: unknown.

Genome-Nilou Lab
Classification: Likely pathogenic for Retinitis pigmentosa 39. Last evaluated: 2023-11-04. Review status: criteria provided, single submitter. Criteria: ACMG Guidelines, 2015. Collection method: clinical testing. Allele origin: germline. Affected: no.

Genome-Nilou Lab
Classification: Likely pathogenic for Usher syndrome type 2A. Last evaluated: 2023-11-04. Review status: criteria provided, single submitter. Criteria: ACMG Guidelines, 2015. Collection method: clinical testing. Allele origin: germline. Affected: no.

Blueprint Genetics
Classification: Pathogenic for USH2A-related disorders. Last evaluated: 2022-10-11. Review status: criteria provided, single submitter. Criteria: ACMG Guidelines, 2015. Collection method: clinical testing. Allele origin: germline. Affected: yes. Observed: 2 variant alleles.

Laboratory for Molecular Medicine, Mass General Brigham Personalized Medicine
Classification: Likely pathogenic for Rare genetic deafness. Last evaluated: 2007-08-24. Review status: criteria provided, single submitter. Criteria: LMM Criteria. Collection method: clinical testing. Allele origin: germline. Observed: 1 variant allele.

Counsyl
Classification: Likely pathogenic for Usher syndrome type 2A; Retinitis pigmentosa 39. Last evaluated: 2018-03-16. Review status: no assertion criteria provided. Collection method: clinical testing. Allele origin: unknown. Not counted in ClinVar's aggregate classification.

Literature cited by the submitters: PubMed 32856788 (cited by Natera, Inc.); PubMed 10729113 (cited by Labcorp Genetics (formerly Invitae), Labcorp); PubMed 10909849 (cited by Labcorp Genetics (formerly Invitae), Labcorp); PubMed 20507924 (cited by Labcorp Genetics (formerly Invitae), Labcorp and Counsyl); PubMed 25649381 (cited by Labcorp Genetics (formerly Invitae), Labcorp); PubMed 19788668 (cited by Labcorp Genetics (formerly Invitae), Labcorp and Counsyl).

NM_206933.4(USH2A):c.6289_6302del (p.Leu2096_Ile2097insTer)

Gene: USH2A (usherin; minus strand). Cytogenetic location: 1q41.
Variant type: Deletion.
Coding change: c.6289_6302del on transcript NM_206933.4 (MANE Select); coding-DNA positions 6289 to 6302, 14 bases deleted (ATCTATTCAGGCAG).
Protein change: p.Leu2096_Ile2097insTer.
Genome position (GRCh38, 1-based): chr1:216,046,454-216,046,467, CTGCCTGAATAGAT deleted on the plus strand (ATCTATTCAGGCAG on the coding strand, the reverse complement: USH2A is on the minus strand); deleting any 14 consecutive bases within chr1:216,046,454-216,046,468 gives the same sequence; the c. name uses the placement nearest the transcript's 3' end. VCF-style (leftmost placement, unchanged base first): chr1-216046453-ACTGCCTGAATAGAT-A. GRCh37 (hg19) VCF-style: chr1-216219795-ACTGCCTGAATAGAT-A.
Other names: c.6289_6302delATCTATTCAGGCAG (NM_206933.4).
Identifiers: ClinVar variation 48558 (VCV000048558.20), dbSNP rs111033268, ClinGen allele CA262113.